The following is an entry in ClinVar:

ClinVar aggregate classification (germline): Uncertain significance. Review status: criteria provided, multiple submitters, no conflicts (2 of 4 stars). 2 submissions from 2 submitters: Uncertain significance (2). Last evaluated 2024-02-03.

Conditions:
Lysinuric protein intolerance (LPI). Identifiers: Orphanet 470, MedGen C0268647, MONDO:0009109, OMIM 222700.

Allele frequency attached by ClinVar (database versions not stated): gnomAD exomes below 0.00001; gnomAD 0.00001; ExAC 0.00002.
gnomAD v4.1: 3 of 1,613,872 alleles (0.00019%); highest among the groups gnomAD compares: East Asian, 0.0045%; no homozygotes.

Submissions (2):

Fulgent Genetics
Classification: Uncertain significance for Lysinuric protein intolerance. Last evaluated: 2024-02-03. Review status: criteria provided, single submitter. Criteria: ACMG Guidelines, 2015. Collection method: clinical testing. Allele origin: germline.

Labcorp Genetics (formerly Invitae), Labcorp
Classification: Uncertain significance for Lysinuric protein intolerance. Last evaluated: 2022-08-22. Review status: criteria provided, single submitter. Criteria: Invitae Variant Classification Sherloc (09022015). Collection method: clinical testing. Allele origin: germline.
Comment: This sequence change replaces proline, which is neutral and non-polar, with threonine, which is neutral and polar, at codon 19 of the SLC7A7 protein (p.Pro19Thr). This variant is present in population databases (rs748703608, gnomAD 0.02%). This variant has not been reported in the literature in individuals affected with SLC7A7-related conditions. Algorithms developed to predict the effect of missense changes on protein structure and function (SIFT, PolyPhen-2, Align-GVGD) all suggest that this variant is likely to be tolerated. In summary, the available evidence is currently insufficient to determine the role of this variant in disease. Therefore, it has been classified as a Variant of Uncertain Significance.

NM_003982.4(SLC7A7):c.55C>A (p.Pro19Thr)

Gene: SLC7A7 (solute carrier family 7 member 7; minus strand). Cytogenetic location: 14q11.2.
Variant type: single nucleotide variant.
Coding change: c.55C>A on transcript NM_003982.4 (MANE Select); coding-DNA position 55, C replaced by A.
Protein change: p.Pro19Thr; replaces proline 19 with threonine.
Molecular consequence: missense variant.
Genome position (GRCh38, 1-based): chr14:22,813,344, G>T on the plus strand (C>A on the coding strand, the complement: SLC7A7 is on the minus strand). VCF-style: chr14-22813344-G-T. GRCh37 (hg19) VCF-style: chr14-23282553-G-T.
Other names: c.55C>A, p.Pro19Thr (NM_001126105.3, NM_001126106.4); short protein forms P19T.
Identifiers: ClinVar variation 2189325 (VCV002189325.2), dbSNP rs748703608, ClinGen allele CA7104768.
Genomic context (GRCh38, chr14:22,813,344, plus strand): 5'-GTGAGATCTCCTTCTTCAGCTTCACCTGCTCCGGCCCTGGGCTGGCCCCATCACCCAAAG[G>T]GGAGGTTTCCACCTCAGGCTGGGAGGCCACTTCATACTCAGTGCTGTCAACCATGGTGGA-3'
Protein context (NP_003973.3, residues 9-29): VASQPEVETS[Pro19Thr]LGDGASPGPE